The following is an entry in ClinVar:

ClinVar aggregate classification (germline): Pathogenic/Likely pathogenic. Review status: criteria provided, multiple submitters, no conflicts (2 of 4 stars). 2 submissions from 2 submitters: Pathogenic (1); Likely pathogenic (1). Last evaluated 2018-07-01.

Conditions:
Tubulinopathy. Also called: Tubulinopathies. Identifiers: MedGen CN850169, MONDO:0100153.
Lissencephaly due to TUBA1A mutation (CDCBM16). Also called: CORTICAL DYSPLASIA, COMPLEX, WITH OTHER BRAIN MALFORMATIONS 16; Lissencephaly 3. Identifiers: Orphanet 171680, MedGen C4305153, MONDO:0012703, OMIM 611603.

Submissions (2):

Institute of Human Genetics, FAU Erlangen, Friedrich-Alexander-Universität Erlangen-Nürnberg
Classification: Pathogenic for Tubulinopathies. Last evaluated: 2018-07-01. Review status: criteria provided, single submitter. Criteria: ACMG Guidelines, 2015. Collection method: literature only. Allele origin: unknown. Affected: yes. Observed: 1 variant allele.
Comment: The c.1274T>A, p.(Met425Lys) variant has been reported as a variant of unknown origin. This variant and associated phenotype was previously reported by Kumar et al. Hum Mol Genet, 2010 PMID: 20466733. Agyria (HP:0031882); Hypoplasia of the brainstem (HP:0002365); Cerebellar hypoplasia (HP:0001321); Hypoplastic hippocampus (HP:0025517); Dilation of lateral ventricles (HP:0006956); Microcephaly (HP:0000252)

Genetic Services Laboratory, University of Chicago
Classification: Likely pathogenic for Lissencephaly 3. Last evaluated: 2013-02-08. Review status: criteria provided, single submitter. Criteria: ACMG Guidelines, 2007. Collection method: clinical testing. Allele origin: germline. Inheritance: Autosomal dominant inheritance. Affected: yes.

Literature cited by the submitters: PubMed 30744660 (cited by Institute of Human Genetics, FAU Erlangen, Friedrich-Alexander-Universität Erlangen-Nürnberg); DOI 10.1101/427948 (cited by Institute of Human Genetics, FAU Erlangen, Friedrich-Alexander-Universität Erlangen-Nürnberg).

NM_006009.4(TUBA1A):c.1274T>A (p.Met425Lys)

Gene: TUBA1A (tubulin alpha 1a; minus strand). Cytogenetic location: 12q13.12.
Variant type: single nucleotide variant.
Coding change: c.1274T>A on transcript NM_006009.4 (MANE Select); coding-DNA position 1274, T replaced by A.
Protein change: p.Met425Lys; replaces methionine 425 with lysine.
Molecular consequence: missense variant.
Genome position (GRCh38, 1-based): chr12:49,185,092, A>T on the plus strand (T>A on the coding strand, the complement: TUBA1A is on the minus strand). VCF-style: chr12-49185092-A-T. GRCh37 (hg19) VCF-style: chr12-49578875-A-T.
Other names: c.1274T>A, p.Met425Lys (NM_001270399.2); c.1169T>A, p.Met390Lys (NM_001270400.2); short protein forms M425K, M390K.
Identifiers: ClinVar variation 160148 (VCV000160148.7), dbSNP rs587784484, ClinGen allele CA213260.